The following is an entry in ClinVar:

ClinVar aggregate classification (germline): Uncertain significance (1 of 4 stars; one submission).

Submission:

GeneDx
Classification: Uncertain significance. Last evaluated: 2025-01-25. Review status: criteria provided, single submitter. Criteria: GeneDx Variant Classification Process June 2021. Collection method: clinical testing. Allele origin: germline. Affected: yes.
Comment: Not observed at significant frequency in large population cohorts (gnomAD); In silico analysis supports a deleterious effect on protein structure/function; Has not been previously published as pathogenic or benign to our knowledge

NM_001349253.2(SCN11A):c.1793_1794delinsTA (p.His598Leu)

Gene: SCN11A (sodium voltage-gated channel alpha subunit 11; minus strand). Cytogenetic location: 3p22.2.
Variant type: Indel.
Coding change: c.1793_1794delinsTA on transcript NM_001349253.2 (MANE Select); coding-DNA positions 1793 to 1794, AT replaced by TA.
Protein change: p.His598Leu; replaces histidine 598 with leucine.
Molecular consequence: missense variant.
Genome position (GRCh38, 1-based): chr3:38,903,913-38,903,914, AT replaced by TA on the plus strand (AT replaced by TA on the coding strand, the reverse complement: SCN11A is on the minus strand). VCF-style: chr3-38903913-AT-TA. GRCh37 (hg19) VCF-style: chr3-38945404-AT-TA.
Other names: c.1793_1794delinsTA, p.His598Leu (NM_014139.3); short protein forms H598L.
Identifiers: ClinVar variation 4071899 (VCV004071899.1).